The following is an entry in ClinVar:

NM_002878.4(RAD51D):c.451C>T (p.Gln151Ter)

Genes: RAD51D (RAD51 paralog D; minus strand), RAD51L3-RFFL (RAD51L3-RFFL readthrough; minus strand). Cytogenetic location: 17q12.
Variant type: single nucleotide variant.
Coding change: c.451C>T on transcript NM_002878.4 (MANE Select); coding-DNA position 451, C replaced by T.
Protein change: p.Gln151Ter; replaces glutamine 151 with a stop codon.
Molecular consequence: nonsense. On other transcripts: non-coding transcript variant (1), intron variant (1).
Genome position (GRCh38, 1-based): chr17:35,107,017, G>A on the plus strand (C>T on the coding strand, the complement: RAD51D is on the minus strand). VCF-style: chr17-35107017-G-A. GRCh37 (hg19) VCF-style: chr17-33434036-G-A.
Other names: c.511C>T, p.Gln171Ter (NM_001142571.2); c.145-536C>T (NM_133629.3); short protein forms Q151*, Q171*.
Identifiers: ClinVar variation 141452 (VCV000141452.67), dbSNP rs587781756, ClinGen allele CA165449.
Genomic context (GRCh38, chr17:35,107,017, plus strand): 5'-ATCTCAATGGAACCCAGCATCCTGCCCTTACCTGTTCCTCCTCATCCTGGGTTTTAGCCT[G>A]AAGCAGCTGGAGGAGGCGGGAAGCTGTCAGCCCTCCATTGGAATCTACATATAGGACGTT-3'

ClinVar aggregate classification (germline): Pathogenic. Review status: criteria provided, multiple submitters, no conflicts (2 of 4 stars). 14 submissions from 14 submitters: Pathogenic (12). 2 of the submissions do not count toward it. Last evaluated 2026-07-28.

Conditions:
Breast and/or ovarian cancer. Identifiers: MedGen CN221562.
Hereditary cancer-predisposing syndrome. Also called: Tumor predisposition; Hereditary neoplastic syndrome; Hereditary Cancer Syndrome; Neoplastic Syndromes, Hereditary. Identifiers: Orphanet 140162, MedGen C0027672, MeSH D009386, MONDO:0015356.
Hereditary breast ovarian cancer syndrome. Also called: Hereditary breast and ovarian cancer; Hereditary breast and/or ovarian cancer syndrome; BRCA1- and BRCA2-Associated Hereditary Breast and Ovarian Cancer; Hereditary breast and ovarian cancer syndrome (HBOC); Hereditary breast and ovarian cancer syndrome; Breast and ovarian cancer. Identifiers: Orphanet 145, MedGen C0677776, MeSH D061325, MONDO:0003582. Disease mechanism: loss of function.
Breast-ovarian cancer, familial, susceptibility to, 4. Identifiers: Orphanet 145, MedGen C3280345, MONDO:0013669, OMIM 614291.
Breast-ovarian cancer, familial, susceptibility to, 1 (BROVCA1). Also called: BRCA1 Hereditary Breast and Ovarian Cancer; OVARIAN CANCER, SUSCEPTIBILITY TO. Identifiers: Orphanet 145, MedGen C2676676, MONDO:0011450, OMIM 604370. Disease mechanism: loss of function.

Allele frequency attached by ClinVar (database versions not stated): gnomAD exomes below 0.00001; TOPMed 0.00001; gnomAD 0.00002.

Submissions (14):

Institute of Human Genetics, University of Leipzig Medical Center
Classification: Pathogenic for Breast-ovarian cancer, familial, susceptibility to, 4. Last evaluated: 2026-07-28. Review status: criteria provided, single submitter. Criteria: ACMG Guidelines, 2015. Collection method: clinical testing. Allele origin: unknown. Inheritance: Autosomal dominant inheritance. Affected: yes.
Comment: Criteria applied: PVS1,PS4, PM2_SUP

Labcorp Genetics (formerly Invitae), Labcorp
Classification: Pathogenic for Breast-ovarian cancer, familial, susceptibility to, 4. Last evaluated: 2025-10-24. Review status: criteria provided, single submitter. Criteria: Invitae Variant Classification Sherloc (09022015). Collection method: clinical testing. Allele origin: germline.
Comment: This sequence change creates a premature translational stop signal (p.Gln151*) in the RAD51D gene. It is expected to result in an absent or disrupted protein product. Loss-of-function variants in RAD51D are known to be pathogenic (PMID: 21822267). This variant is present in population databases (rs587781756, gnomAD 0.0009%). This premature translational stop signal has been observed in individual(s) with ovarian cancer (PMID: 26720728, 28591191). This variant is also known as c.511C>T and p.Q171*. ClinVar contains an entry for this variant (Variation ID: 141452). Studies have shown that this premature translational stop signal is associated with inconclusive levels of altered splicing (internal data). For these reasons, this variant has been classified as Pathogenic.

Color Diagnostics, LLC DBA Color Health
Classification: Pathogenic for Hereditary cancer-predisposing syndrome. Last evaluated: 2025-09-22. Review status: criteria provided, single submitter. Criteria: ACMG Guidelines, 2015. Collection method: clinical testing. Allele origin: germline.
Comment: This variant changes 1 nucleotide in exon 5 of the RAD51D gene, creating a premature translation stop signal. This variant is expected to result in an absent or non-functional protein product. This variant has been reported in an individual affected with ovarian cancer (PMID: 26720728). This variant has been identified in 1/251464 chromosomes in the general population by the Genome Aggregation Database (gnomAD). Loss of RAD51D function is a known mechanism of disease. Based on the available evidence, this variant is classified as Pathogenic.

Institute of Immunology and Genetics Kaiserslautern
Classification: Pathogenic for Breast-ovarian cancer, familial, susceptibility to, 1. Last evaluated: 2025-07-30. Review status: criteria provided, single submitter. Criteria: ACMG Guidelines, 2015. Collection method: clinical testing. Allele origin: germline. Affected: no.
Comment: ACMG Criteria: PVS1, PM2, PP5.

Ambry Genetics
Classification: Pathogenic for Hereditary cancer-predisposing syndrome. Last evaluated: 2025-05-19. Review status: criteria provided, single submitter. Criteria: Ambry Variant Classification Scheme 2023. Collection method: clinical testing. Allele origin: germline.
Comment: The p.Q151* pathogenic mutation (also known as c.451C>T), located in coding exon 5 of the RAD51D gene, results from a C to T substitution at nucleotide position 451. This changes the amino acid from a glutamine to a stop codon within coding exon 5. This mutation has been reported in an individual diagnosed with breast cancer who also had a family history of breast and ovarian cancer (Konstanta I et al. J. Hum. Genet. 2018 Nov;63(11):1149-1158). This variant is considered to be rare based on population cohorts in the Genome Aggregation Database (gnomAD). This alteration is expected to result in loss of function by premature protein truncation or nonsense-mediated mRNA decay. As such, this alteration is interpreted as a disease-causing mutation.

Baylor Genetics
Classification: Pathogenic for Breast-ovarian cancer, familial, susceptibility to, 4. Last evaluated: 2024-03-25. Review status: criteria provided, single submitter. Criteria: ACMG Guidelines, 2015. Collection method: clinical testing. Allele origin: unknown.

Quest Diagnostics Nichols Institute San Juan Capistrano
Classification: Pathogenic. Last evaluated: 2023-06-27. Review status: criteria provided, single submitter. Criteria: Quest Diagnostics criteria. Collection method: clinical testing. Allele origin: unknown.
Comment: The RAD51D c.451C>T (p.Gln151*) variant causes the premature termination of RAD51D protein synthesis. This variant has been reported in the published literature in individuals with ovarian cancer (PMID: 26720728 (2016)), breast cancer (PMID: 28724667 (2017), 30111881 (2018), 30165555 (2018), 31300551 (2020)), and lung cancer (PMID: 35273153 (2022)). In a large breast cancer association study, this variant was reported in individuals with breast cancer as well as a healthy individual (PMID: 33471991 (2021)). The frequency of this variant in the general population, 0.000004 (1/251464 chromosomes (Genome Aggregation Database)), is consistent with pathogenicity. Based on the available information, this variant is classified as pathogenic.

Myriad Genetics, Inc.
Classification: Pathogenic for Breast-ovarian cancer, familial, susceptibility to, 4. Last evaluated: 2023-04-06. Review status: criteria provided, single submitter. Criteria: Myriad Autosomal Dominant, Autosomal Recessive and X-Linked Classification Criteria (2023). Collection method: clinical testing. Allele origin: unknown.
Comment: This variant is considered pathogenic. This variant creates a termination codon and is predicted to result in premature protein truncation.

Women's Health and Genetics/Laboratory Corporation of America, LabCorp
Classification: Pathogenic for Hereditary breast ovarian cancer syndrome. Last evaluated: 2022-08-09. Review status: criteria provided, single submitter. Criteria: LabCorp Variant Classification Summary - May 2015. Collection method: clinical testing. Allele origin: germline.
Comment: Variant summary: RAD51D c.451C>T (p.Gln151X), also referred to as c.511C>T (p.Gln171X), results in a premature termination codon, predicted to cause a truncation of the encoded protein or absence of the protein due to nonsense mediated decay, which are commonly known mechanisms for disease. Truncations downstream of this position have been classified as pathogenic by our laboratory. The variant allele was found at a frequency of 4e-06 in 251464 control chromosomes (gnomAD). c.451C>T has been reported in the literature in multiple individuals a personal and/or family history of breast and/or ovarian cancer (e.g. Norquist_2016, Stafford_2017, Sun_2017, Konstanta_2018, Mittal_2022). These data indicate that the variant is very likely to be associated with Hereditary Breast And Ovarian Cancer Syndrome. To our knowledge, no experimental evidence demonstrating an impact on protein function has been reported. Nine submitters have provided clinical-significance assessments for this variant to ClinVar after 2014 and all classified the variant as pathogenic (n=8) or likely pathogenic (n=1). Based on the evidence outlined above, the variant was classified as pathogenic.

CeGaT Center for Human Genetics Tuebingen
Classification: Pathogenic. Last evaluated: 2021-01-01. Review status: criteria provided, single submitter. Criteria: CeGaT Center For Human Genetics Tuebingen Variant Classification Criteria Version 2. Collection method: clinical testing. Allele origin: germline. Affected: yes. Observed: 1 variant allele.

Fulgent Genetics
Classification: Pathogenic for Breast-ovarian cancer, familial, susceptibility to, 4. Last evaluated: 2018-10-31. Review status: criteria provided, single submitter. Criteria: ACMG Guidelines, 2015. Collection method: clinical testing. Allele origin: unknown.

GeneDx
Classification: Pathogenic. Last evaluated: 2017-09-26. Review status: criteria provided, single submitter. Criteria: GeneDx Variant Classification (06012015). Collection method: clinical testing. Allele origin: germline. Affected: yes.
Comment: This pathogenic variant is denoted RAD51D c.451C>T at the cDNA level and p.Gln151Ter (Q151X) at the protein level. The substitution creates a nonsense variant, which changes a Glutamine to a premature stop codon (CAG>TAG), and is predicted to cause loss of normal protein function through either protein truncation or nonsense-mediated mRNA decay. This variant has been reported in individuals with breast or ovarian cancer and is considered pathogenic (Norquist 2015, Sun 2017).

CZECANCA consortium
Classification: Pathogenic for Breast and/or ovarian cancer. Last evaluated: 2019-06-11. Review status: no assertion criteria provided. Collection method: clinical testing. Allele origin: germline. Affected: yes. Observed: 1 variant allele. Not counted in ClinVar's aggregate classification.

Counsyl
Classification: Likely pathogenic for Breast-ovarian cancer, familial, susceptibility to, 4. Last evaluated: 2016-11-02. Review status: no assertion criteria provided. Collection method: clinical testing. Allele origin: unknown. Not counted in ClinVar's aggregate classification.

Literature cited by the submitters: PubMed 21822267 (cited by Labcorp Genetics (formerly Invitae), Labcorp); PubMed 26720728 (cited by 5 submitters); PubMed 28591191 (cited by Labcorp Genetics (formerly Invitae), Labcorp and Women's Health and Genetics/Laboratory Corporation of America, LabCorp); PubMed 28724667 (cited by Quest Diagnostics Nichols Institute San Juan Capistrano and Women's Health and Genetics/Laboratory Corporation of America, LabCorp); PubMed 30111881 (cited by Quest Diagnostics Nichols Institute San Juan Capistrano and Women's Health and Genetics/Laboratory Corporation of America, LabCorp); PubMed 30165555 (cited by Quest Diagnostics Nichols Institute San Juan Capistrano and Women's Health and Genetics/Laboratory Corporation of America, LabCorp); PubMed 33471991 (cited by Quest Diagnostics Nichols Institute San Juan Capistrano); PubMed 31300551 (cited by Quest Diagnostics Nichols Institute San Juan Capistrano); PubMed 35273153 (cited by Quest Diagnostics Nichols Institute San Juan Capistrano); PubMed 32107557 (cited by Women's Health and Genetics/Laboratory Corporation of America, LabCorp); PubMed 34601666 (cited by Women's Health and Genetics/Laboratory Corporation of America, LabCorp); PubMed 32295079 (cited by CZECANCA consortium).